The following is an entry in ClinVar:

NM_001374736.1(DST):c.15325G>A (p.Ala5109Thr)

Gene: DST (dystonin; minus strand). Cytogenetic location: 6p12.1.
Variant type: single nucleotide variant.
Coding change: c.15325G>A on transcript NM_001374736.1 (MANE Select); coding-DNA position 15325, G replaced by A.
Protein change: p.Ala5109Thr; replaces alanine 5109 with threonine.
Molecular consequence: missense variant.
Genome position (GRCh38, 1-based): chr6:56,553,467, C>T on the plus strand (G>A on the coding strand, the complement: DST is on the minus strand). VCF-style: chr6-56553467-C-T. GRCh37 (hg19) VCF-style: chr6-56418265-C-T.
Other names: c.8968G>A, p.Ala2990Thr (NM_001144769.5); c.8554G>A, p.Ala2852Thr (NM_001144770.2); c.15325G>A, p.Ala5109Thr (NM_001374722.1); c.14692G>A, p.Ala4898Thr (NM_001374729.1); c.8434G>A, p.Ala2812Thr (NM_001374730.1, NM_001386100.1, NM_183380.4); c.15352G>A, p.Ala5118Thr (NM_001374734.1); c.7456G>A, p.Ala2486Thr (NM_015548.5); short protein forms A2812T, A2990T, A4898T, A5109T, A2486T, A2852T, A5118T.
Identifiers: ClinVar variation 2155916 (VCV002155916.4), dbSNP rs370852578, ClinGen allele CA3867832.

ClinVar aggregate classification (germline): Uncertain significance (1 of 4 stars; one submission).

Conditions:
Hereditary sensory and autonomic neuropathy type 6. Also called: HSAN VI; Neuropathy, hereditary sensory and autonomic, type VI. Identifiers: Orphanet 314381, MedGen C3539003, MONDO:0013839, OMIM 614653.
Epidermolysis bullosa simplex 3, localized or generalized intermediate, with BP230 deficiency (EBS3). Also called: Epidermolysis bullosa simplex due to BP230 deficiency; Epidermolysis bullosa simplex, autosomal recessive 2. Identifiers: Orphanet 412181, MedGen C3809470, MONDO:0014180, OMIM 615425.

Allele frequency attached by ClinVar (database versions not stated): gnomAD 0.00001.
gnomAD v4.1: 12 of 1,612,726 alleles (0.00074%); highest among the groups gnomAD compares: East Asian, 0.0022%; no homozygotes.

Submission:

Labcorp Genetics (formerly Invitae), Labcorp
Classification: Uncertain significance for Epidermolysis bullosa simplex 3, localized or generalized intermediate, with BP230 deficiency; Hereditary sensory and autonomic neuropathy type 6. Last evaluated: 2022-02-05. Review status: criteria provided, single submitter. Criteria: Invitae Variant Classification Sherloc (09022015). Collection method: clinical testing. Allele origin: germline.
Comment: This variant has not been reported in the literature in individuals affected with DST-related conditions. This variant is present in population databases (rs370852578, gnomAD 0.006%). This sequence change replaces alanine, which is neutral and non-polar, with threonine, which is neutral and polar, at codon 2486 of the DST protein (p.Ala2486Thr). The DST gene has multiple clinically relevant transcripts. This variant occurs in alternate transcript NM_015548.4, and corresponds to NM_001723.5:c.*62050G>A in the primary transcript. Experimental studies and prediction algorithms are not available or were not evaluated, and the functional significance of this variant is currently unknown. In summary, the available evidence is currently insufficient to determine the role of this variant in disease. Therefore, it has been classified as a Variant of Uncertain Significance.